The following is an entry in ClinVar:

NM_014317.5(PDSS1):c.1164_1165del (p.Ile388fs)

Gene: PDSS1 (decaprenyl diphosphate synthase subunit 1; plus strand). Cytogenetic location: 10p12.1.
Variant type: Deletion.
Coding change: c.1164_1165del on transcript NM_014317.5 (MANE Select); coding-DNA positions 1164 to 1165, 2 bases deleted (AA; older notation c.1164_1165delAA).
Protein change: p.Ile388fs; shifts the reading frame from isoleucine 388.
Molecular consequence: frameshift variant. On other transcripts: 3 prime UTR variant (1).
Genome position (GRCh38, 1-based): chr10:26,746,389-26,746,390, AA deleted. VCF-style (leftmost placement, unchanged base first): chr10-26746388-TAA-T. GRCh37 (hg19) VCF-style: chr10-27035317-TAA-T.
Other names: c.*52_*53del (NM_001321978.2); c.654_655del, p.Ile218fs (NM_001321979.2); short protein forms I218fs, I388fs.
Identifiers: ClinVar variation 1033282 (VCV001033282.1), dbSNP rs1425736863, ClinGen allele CA592369379.

ClinVar aggregate classification (germline): Pathogenic (1 of 4 stars; one submission).

Conditions:
Deafness-encephaloneuropathy-obesity-valvulopathy syndrome. Identifiers: Orphanet 254898, MedGen C3553354, MONDO:0013837, OMIM 614651.

Allele frequency attached by ClinVar (database versions not stated): gnomAD exomes below 0.00001; TOPMed below 0.00001.

Submission:

Baylor Genetics
Classification: Pathogenic for Deafness-encephaloneuropathy-obesity-valvulopathy syndrome. Last evaluated: 2018-06-26. Review status: criteria provided, single submitter. Criteria: ACMG Guidelines, 2015. Collection method: clinical testing. Allele origin: unknown. Affected: yes.
Comment: This variant was determined to be pathogenic according to ACMG Guidelines, 2015 [PMID:25741868].